The following is an entry in ClinVar:

ClinVar aggregate classification (germline): Likely benign (1 of 4 stars; one submission).

Conditions:
RYR1-related disorder. Also called: RYR1-related disorders; RYR1-related condition. Identifiers: MedGen CN239331.

gnomAD v4.1: 671 of 1,594,376 alleles (0.042%); highest among the groups gnomAD compares: Non-Finnish European, 0.053%; 2 homozygotes.

Submission:

PreventionGenetics, part of Exact Sciences
Classification: Likely benign for RYR1-related condition. Last evaluated: 2025-02-25. Review status: criteria provided, single submitter. Criteria: ACMG Guidelines, 2015. Collection method: clinical testing. Allele origin: germline.
Comment: This variant is classified as likely benign based on ACMG/AMP sequence variant interpretation guidelines (Richards et al. 2015 PMID: 25741868, with internal and published modifications).

NM_000540.3(RYR1):c.12624+25G>A

Gene: RYR1 (ryanodine receptor 1; plus strand). Cytogenetic location: 19q13.2.
Variant type: single nucleotide variant.
Coding change: c.12624+25G>A on transcript NM_000540.3 (MANE Select); 25 bases into the intron after coding-DNA position 12624, G replaced by A.
Molecular consequence: intron variant.
Genome position (GRCh38, 1-based): chr19:38,561,479, G>A. VCF-style: chr19-38561479-G-A. GRCh37 (hg19) VCF-style: chr19-39052119-G-A.
Other names: c.12609+25G>A (NM_001042723.2).
Identifiers: ClinVar variation 4986797 (VCV004986797.1).
Genomic context (GRCh38, chr19:38,561,479, plus strand): 5'-TCAGAGACCAACCGCGCCCAGTGGGAGATGCCCCAGGTCAGGGAACCCGCGCGCGTGCAA[G>A]CTCGCCTCCTGGGGCTTCGGGCATGCGGGTGCTCACTTCCTGCACCCTCAGACCCCACGG-3'